The following is an entry in ClinVar:

NM_003289.4(TPM2):c.773-4_773-3dup

Gene: TPM2 (tropomyosin 2; minus strand). Cytogenetic location: 9p13.3.
Variant type: Duplication.
Coding change: c.773-4_773-3dup on transcript NM_003289.4 (MANE Select); 4 bases into the intron before coding-DNA position 773 through 3 bases into the intron before coding-DNA position 773, 2 bases duplicated (CC; older notation c.773-4_773-3dupCC).
Molecular consequence: intron variant.
Genome position (GRCh38, 1-based): chr9:35,683,244-35,683,245, GG duplicated on the plus strand (CC on the coding strand, the reverse complement: TPM2 is on the minus strand); duplicating any 2 consecutive bases within chr9:35,683,244-35,683,251 gives the same sequence; the c. name uses the placement nearest the transcript's 3' end. VCF-style (leftmost placement, unchanged base first): chr9-35683243-T-TGG. GRCh37 (hg19) VCF-style: chr9-35683240-T-TGG.
Other names: p.?; c.773-4_773-3dupCC (NM_003289.3); c.772+1001_772+1002dup (NM_213674.1, NM_001301226.2); c.773-4_773-3dup (NM_001301227.2).
Identifiers: ClinVar variation 94125 (VCV000094125.20), dbSNP rs35401252, ClinGen allele CA147644.
Genomic context (GRCh38, chr9:35,683,243, plus strand): 5'-TGCGTTGTCCAGTTCCTCGCTAATGGCCTTGTACTTCATCTTCTGGGCATAGACTTCATC[T>TGG]GGGGGGGGTCCAGGGAGGGGACCAGGTGGGAGTGTGGGAAAGGGAGTGGAGGGAAAGAGG-3'

ClinVar aggregate classification (germline): Benign/Likely benign. Review status: criteria provided, multiple submitters, no conflicts (2 of 4 stars). 8 submissions from 8 submitters: Benign (5); Likely benign (2). 1 of the submissions does not count toward it. Last evaluated 2026-02-02.

Conditions:
Congenital myopathy 23 (CMYO23). Also called: NEMALINE MYOPATHY 4; Nemaline myopathy 4, autosomal dominant; CAP MYOPATHY 2. Identifiers: MedGen C1836447, MONDO:0012240, OMIM 609285.
Arthrogryposis, distal, type 1A. Also called: ARTHROGRYPOSIS MULTIPLEX CONGENITA, DISTAL, TYPE I. Identifiers: Orphanet 1146, MedGen C6022280, MONDO:0007157, OMIM 108120.
Congenital myopathy with fiber type disproportion. Also called: Congenital fiber-type disproportion myopathy; Congenital fiber-type disproportion. Identifiers: Orphanet 2020, MedGen C0546264, MONDO:0009711. Inheritance: all.

Submissions (8):

Labcorp Genetics (formerly Invitae), Labcorp
Classification: Benign for Digitotalar dysmorphism. Last evaluated: 2026-02-02. Review status: criteria provided, single submitter. Criteria: Invitae Variant Classification Sherloc (09022015). Collection method: clinical testing. Allele origin: germline.

Laboratory of Genetics, Children's Clinical University Hospital Latvia
Classification: Benign. Last evaluated: 2025-02-16. Review status: criteria provided, single submitter. Criteria: ACMG Guidelines, 2015. Collection method: clinical testing. Allele origin: germline. Affected: yes.

Blueprint Genetics
Classification: Likely benign. Last evaluated: 2024-11-27. Review status: criteria provided, single submitter. Criteria: ACMG Guidelines, 2015. Collection method: clinical testing. Allele origin: germline.

Fulgent Genetics
Classification: Likely benign for Arthrogryposis, distal, type 1A; Congenital myopathy 4A, autosomal dominant; Congenital myopathy 23. Last evaluated: 2022-03-28. Review status: criteria provided, single submitter. Criteria: ACMG Guidelines, 2015. Collection method: clinical testing. Allele origin: unknown.

Mayo Clinic Laboratories, Mayo Clinic
Classification: Benign. Last evaluated: 2017-12-01. Review status: criteria provided, single submitter. Criteria: ACMG Guidelines, 2015. Collection method: clinical testing. Allele origin: germline. Observed: 40 variant alleles.

GeneDx
Classification: Benign. Last evaluated: 2016-03-21. Review status: criteria provided, single submitter. Criteria: GeneDx Variant Classification (06012015). Collection method: clinical testing. Allele origin: germline. Affected: yes.
Comment: This variant is considered likely benign or benign based on one or more of the following criteria: it is a conservative change, it occurs at a poorly conserved position in the protein, it is predicted to be benign by multiple in silico algorithms, and/or has population frequency not consistent with disease.

PreventionGenetics, part of Exact Sciences
Classification: Benign. Review status: criteria provided, single submitter. Criteria: ACMG Guidelines, 2015. Collection method: clinical testing. Allele origin: germline.

Eurofins Ntd Llc (ga)
Classification: Benign for AllHighlyPenetrant. Last evaluated: 2013-07-24. Review status: no assertion criteria provided. Collection method: clinical testing. Allele origin: germline. Observed: 4 variant alleles, 3 heterozygotes, 1 homozygote. Not counted in ClinVar's aggregate classification.

Literature cited by the submitters: PubMed 23757202 (cited by Eurofins Ntd Llc (ga)).